The following is an entry in ClinVar:

ClinVar aggregate classification (germline): Conflicting classifications of pathogenicity. Review status: criteria provided, conflicting classifications (1 of 4 stars). 6 submissions from 6 submitters: Uncertain significance (5); Likely benign (1). Last evaluated 2025-10-23.

Conditions:
Hypercholesterolemia, autosomal dominant, type B (FHCL2). Also called: APOB-Related Familial Hypercholesterolemia, Autosomal Dominant; Hyperlipoproteinemia Type IIb; Familial Hypercholesterolemia Type B; APOLIPOPROTEIN B-100, FAMILIAL DEFECTIVE; APOLIPOPROTEIN B-100, FAMILIAL LIGAND-DEFECTIVE; HYPERCHOLESTEROLEMIA, FAMILIAL, DUE TO LIGAND-DEFECTIVE APOLIPOPROTEIN B. Identifiers: MedGen C1704417, MONDO:0007751, OMIM 144010.
Familial hypobetalipoproteinemia 1. Also called: Hypobetalipoproteinemia, normotriglyceridemic; Acanthocytosis with hypobetalipoproteinemia; APOB-Related Familial Hypobetalipoproteinemia. Identifiers: MedGen C4551990, MONDO:0014252, OMIM 615558.
Cardiovascular phenotype. Identifiers: MedGen CN230736.
Familial hypercholesterolemia. Also called: Familial hypercholesterolemias; Familial hypercholesterolaemia. Identifiers: MedGen C0020445, MONDO:0005439.

Allele frequency attached by ClinVar (database versions not stated): ExAC 0.00003; gnomAD 0.00003 and 0.00004; gnomAD exomes 0.00003 and 0.00004; TOPMed 0.00003.
gnomAD v4.1: 56 of 1,614,036 alleles (0.0035%); highest among the groups gnomAD compares: Admixed American, 0.01%; no homozygotes.

Submissions (6):

Labcorp Genetics (formerly Invitae), Labcorp
Classification: Likely benign for Familial hypobetalipoproteinemia 1; Hypercholesterolemia, autosomal dominant, type B. Last evaluated: 2025-10-23. Review status: criteria provided, single submitter. Criteria: Invitae Variant Classification Sherloc (09022015). Collection method: clinical testing. Allele origin: germline.

Cambridge Genomics Laboratory, East Genomic Laboratory Hub, NHS Genomic Medicine Service
Classification: Uncertain significance for Familial hypercholesterolaemia. Last evaluated: 2025-05-29. Review status: criteria provided, single submitter. Criteria: ACGS Best Practice Guidelines for Variant Classification in Rare Disease 2020. Collection method: clinical testing. Allele origin: germline. Affected: yes.
Comment: PM2

GeneDx
Classification: Uncertain significance. Last evaluated: 2025-03-05. Review status: criteria provided, single submitter. Criteria: GeneDx Variant Classification Process June 2021. Collection method: clinical testing. Allele origin: germline. Affected: yes.
Comment: In silico analysis supports that this missense variant has a deleterious effect on protein structure/function; Has not been previously published as pathogenic or benign to our knowledge

Ambry Genetics
Classification: Uncertain significance for Cardiovascular phenotype. Last evaluated: 2025-01-28. Review status: criteria provided, single submitter. Criteria: Ambry Variant Classification Scheme 2023. Collection method: clinical testing. Allele origin: germline.
Comment: The p.P892L variant (also known as c.2675C>T), located in coding exon 18 of the APOB gene, results from a C to T substitution at nucleotide position 2675. The proline at codon 892 is replaced by leucine, an amino acid with similar properties. This amino acid position is conserved. In addition, the in silico prediction for this alteration is inconclusive. Since supporting evidence is limited at this time, the clinical significance of this alteration remains unclear.

Institute of Immunology and Genetics Kaiserslautern
Classification: Uncertain significance for Hypercholesterolemia, autosomal dominant, type B. Last evaluated: 2024-07-24. Review status: criteria provided, single submitter. Criteria: ACMG Guidelines, 2015. Collection method: clinical testing. Allele origin: germline. Affected: yes.
Comment: ACMG Criteria: PM2_P; Variant was found in heterozygous state

Quest Diagnostics Nichols Institute San Juan Capistrano
Classification: Uncertain significance. Last evaluated: 2021-08-10. Review status: criteria provided, single submitter. Criteria: Quest Diagnostics criteria. Collection method: clinical testing. Allele origin: unknown.

NM_000384.3(APOB):c.2675C>T (p.Pro892Leu)

Gene: APOB (apolipoprotein B; minus strand). Cytogenetic location: 2p24.1.
Variant type: single nucleotide variant.
Coding change: c.2675C>T on transcript NM_000384.3 (MANE Select); coding-DNA position 2675, C replaced by T.
Protein change: p.Pro892Leu; replaces proline 892 with leucine.
Molecular consequence: missense variant.
Genome position (GRCh38, 1-based): chr2:21,022,972, G>A on the plus strand (C>T on the coding strand, the complement: APOB is on the minus strand). VCF-style: chr2-21022972-G-A. GRCh37 (hg19) VCF-style: chr2-21245844-G-A.
Other names: short protein forms P892L.
Identifiers: ClinVar variation 477803 (VCV000477803.21), dbSNP rs780537483, ClinGen allele CA056994.